The following is an entry in ClinVar:

ClinVar aggregate classification (germline): Uncertain significance. Review status: criteria provided, multiple submitters, no conflicts (2 of 4 stars). 2 submissions from 2 submitters: Uncertain significance (2). Last evaluated 2026-07-06.

Conditions:
Hereditary cancer-predisposing syndrome. Also called: Hereditary Cancer Syndrome; Hereditary neoplastic syndrome; Neoplastic Syndromes, Hereditary; Tumor predisposition. Identifiers: Orphanet 140162, MedGen C0027672, MeSH D009386, MONDO:0015356.

Submissions (2):

Ambry Genetics
Classification: Uncertain significance for Hereditary cancer-predisposing syndrome. Last evaluated: 2026-07-06. Review status: criteria provided, single submitter. Criteria: Ambry Variant Classification Scheme 2023. Collection method: clinical testing. Allele origin: germline.
Comment: The p.D293G variant (also known as c.878A>G), located in coding exon 3 of the BLM gene, results from an A to G substitution at nucleotide position 878. The aspartic acid at codon 293 is replaced by glycine, an amino acid with similar properties. This amino acid position is conserved. In addition, this alteration is predicted to be tolerated by in silico analysis. Based on the available evidence, the clinical significance of this variant remains unclear.

GeneDx
Classification: Uncertain significance. Last evaluated: 2022-05-26. Review status: criteria provided, single submitter. Criteria: GeneDx Variant Classification Process June 2021. Collection method: clinical testing. Allele origin: germline. Affected: yes.
Comment: Not observed at significant frequency in large population cohorts (gnomAD); In silico analysis supports that this missense variant does not alter protein structure/function; Has not been previously published as pathogenic or benign to our knowledge

NM_000057.4(BLM):c.878A>G (p.Asp293Gly)

Gene: BLM (BLM RecQ like helicase; plus strand). Cytogenetic location: 15q26.1.
Variant type: single nucleotide variant.
Coding change: c.878A>G on transcript NM_000057.4 (MANE Select); coding-DNA position 878, A replaced by G.
Protein change: p.Asp293Gly; replaces aspartic acid 293 with glycine.
Molecular consequence: missense variant. On other transcripts: 5 prime UTR variant (1).
Genome position (GRCh38, 1-based): chr15:90,751,865, A>G. VCF-style: chr15-90751865-A-G. GRCh37 (hg19) VCF-style: chr15-91295095-A-G.
Other names: c.878A>G, p.Asp293Gly (NM_001287246.2, NM_001287247.2); c.-414A>G (NM_001287248.2); short protein forms D293G.
Identifiers: ClinVar variation 1801163 (VCV001801163.2), dbSNP rs2505400015, ClinGen allele CA393841792.